The following is an entry in ClinVar:

NM_001177701.3(IFT27):c.*2G>A

Genes: CACNG2-DT (CACNG2 divergent transcript; plus strand), IFT27 (intraflagellar transport 27; minus strand). Cytogenetic location: 22q12.3.
Variant type: single nucleotide variant.
Coding change: c.*2G>A on transcript NM_001177701.3 (MANE Select); 2 bases downstream of the stop codon, G replaced by A.
Molecular consequence: 3 prime UTR variant.
Genome position (GRCh38, 1-based): chr22:36,758,309, C>T on the plus strand (G>A on the coding strand, the complement: IFT27 is on the minus strand). VCF-style: chr22-36758309-C-T. GRCh37 (hg19) VCF-style: chr22-37154353-C-T.
Other names: c.*2G>A (NM_001363003.2, NM_006860.5).
Identifiers: ClinVar variation 3045969 (VCV003045969.2), dbSNP rs756296702, ClinGen allele CA10212293.

ClinVar aggregate classification (germline): Likely benign (0 of 4 stars; one submission).

Conditions:
IFT27-related disorder. Also called: IFT27-related condition.

Allele frequency attached by ClinVar (database versions not stated): TOPMed below 0.00001; gnomAD exomes 0.00001; ExAC 0.00002; gnomAD 0.00003.
gnomAD v4.1: 25 of 1,612,118 alleles (0.0016%); highest among the groups gnomAD compares: East Asian, 0.038%; no homozygotes.

Submission:

PreventionGenetics, part of Exact Sciences
Classification: Likely benign for IFT27-related condition. Last evaluated: 2019-11-12. Review status: no assertion criteria provided. Collection method: clinical testing. Allele origin: germline.
Comment: This variant is classified as likely benign based on ACMG/AMP sequence variant interpretation guidelines (Richards et al. 2015 PMID: 25741868, with internal and published modifications).